The following is an entry in ClinVar:

NM_007126.5(VCP):c.1072C>T (p.Arg358Trp)

Gene: VCP (valosin containing protein; minus strand). Cytogenetic location: 9p13.3.
Variant type: single nucleotide variant.
Coding change: c.1072C>T on transcript NM_007126.5 (MANE Select); coding-DNA position 1072, C replaced by T.
Protein change: p.Arg358Trp; replaces arginine 358 with tryptophan.
Molecular consequence: missense variant.
Genome position (GRCh38, 1-based): chr9:35,062,012, G>A on the plus strand (C>T on the coding strand, the complement: VCP is on the minus strand). VCF-style: chr9-35062012-G-A. GRCh37 (hg19) VCF-style: chr9-35062009-G-A.
Other names: c.937C>T, p.Arg313Trp (NM_001354927.2, NM_001354928.2); short protein forms R313W, R358W.
Identifiers: ClinVar variation 3388960 (VCV003388960.14).
Genomic context (GRCh38, chr9:35,062,012, plus strand): 5'-GAGAAGTAGGACCTAAGCAAGGACGGGGTCAAAAGTATCTGGAGTCCTTACCAAATCGCC[G>A]TAGAGCTGGGTCAATGCTGTTGGGTCTGTTGGTTGCTGCCATAACAATCACATGTGCCCT-3'
Protein context (NP_009057.1, residues 348-368): NRPNSIDPAL[Arg358Trp]RFGRFDREVD

ClinVar aggregate classification (germline): Uncertain significance (1 of 4 stars; one submission).

Submission:

CeGaT Center for Human Genetics Tuebingen
Classification: Uncertain significance. Last evaluated: 2024-09-01. Review status: criteria provided, single submitter. Criteria: CeGaT Center For Human Genetics Tuebingen Variant Classification Criteria Version 2. Collection method: clinical testing. Allele origin: germline. Affected: yes. Observed: 1 variant allele.
Comment: VCP: PM2, PP2, PP3